The following is an entry in ClinVar:

NM_002241.5(KCNJ10):c.465C>T (p.Thr155=)

Gene: KCNJ10 (potassium inwardly rectifying channel subfamily J member 10; minus strand). Cytogenetic location: 1q23.2.
Variant type: single nucleotide variant.
Coding change: c.465C>T on transcript NM_002241.5 (MANE Select); coding-DNA position 465, C replaced by T.
Protein change: p.Thr155=; no amino-acid change (threonine 155 retained).
Molecular consequence: synonymous variant.
Genome position (GRCh38, 1-based): chr1:160,042,068, G>A on the plus strand (C>T on the coding strand, the complement: KCNJ10 is on the minus strand). VCF-style: chr1-160042068-G-A. GRCh37 (hg19) VCF-style: chr1-160011858-G-A.
Identifiers: ClinVar variation 507336 (VCV000507336.1), dbSNP rs1553235032, ClinGen allele CA421597252.

ClinVar aggregate classification (germline): Likely benign (1 of 4 stars; one submission).

Allele frequency attached by ClinVar (database versions not stated): gnomAD exomes 0.00002.
gnomAD v4.1: 27 of 1,552,532 alleles (0.0017%); highest among the groups gnomAD compares: Non-Finnish European, 0.0023%; 1 homozygote.

Submission:

GeneDx
Classification: Likely benign. Last evaluated: 2017-02-10. Review status: criteria provided, single submitter. Criteria: GeneDx Variant Classification (06012015). Collection method: clinical testing. Allele origin: germline. Affected: yes.
Comment: This variant is considered likely benign or benign based on one or more of the following criteria: it is a conservative change, it occurs at a poorly conserved position in the protein, it is predicted to be benign by multiple in silico algorithms, and/or has population frequency not consistent with disease.